The following is an entry in ClinVar:

NM_024496.4(IRF2BPL):c.1003G>A (p.Val335Met)

Gene: IRF2BPL (interferon regulatory factor 2 binding protein like; minus strand). Cytogenetic location: 14q24.3.
Variant type: single nucleotide variant.
Coding change: c.1003G>A on transcript NM_024496.4 (MANE Select); coding-DNA position 1003, G replaced by A.
Protein change: p.Val335Met; replaces valine 335 with methionine.
Molecular consequence: missense variant.
Genome position (GRCh38, 1-based): chr14:77,026,790, C>T on the plus strand (G>A on the coding strand, the complement: IRF2BPL is on the minus strand). VCF-style: chr14-77026790-C-T. GRCh37 (hg19) VCF-style: chr14-77493133-C-T.
Other names: short protein forms V335M.
Identifiers: ClinVar variation 2501350 (VCV002501350.1), dbSNP rs1378876593, ClinGen allele CA390496971.

ClinVar aggregate classification (germline): Uncertain significance (1 of 4 stars; one submission).

Allele frequency attached by ClinVar (database versions not stated): TOPMed below 0.00001; gnomAD 0.00001.
gnomAD v4.1: 6 of 1,612,608 alleles (0.00037%); highest among the groups gnomAD compares: African/African-American, 0.0027%; no homozygotes.

Submission:

GeneDx
Classification: Uncertain significance. Last evaluated: 2022-11-03. Review status: criteria provided, single submitter. Criteria: GeneDx Variant Classification Process June 2021. Collection method: clinical testing. Allele origin: germline. Affected: yes.
Comment: Not observed at significant frequency in large population cohorts (gnomAD); In silico analysis supports that this missense variant does not alter protein structure/function; Has not been previously published as pathogenic or benign to our knowledge